The following is an entry in ClinVar:

NM_152722.5(HEPACAM):c.8G>C (p.Arg3Thr)

Gene: HEPACAM (hepatic and glial cell adhesion molecule; minus strand). Cytogenetic location: 11q24.2.
Variant type: single nucleotide variant.
Coding change: c.8G>C on transcript NM_152722.5 (MANE Select); coding-DNA position 8, G replaced by C.
Protein change: p.Arg3Thr; replaces arginine 3 with threonine.
Molecular consequence: missense variant.
Genome position (GRCh38, 1-based): chr11:124,935,999, C>G on the plus strand (G>C on the coding strand, the complement: HEPACAM is on the minus strand). VCF-style: chr11-124935999-C-G. GRCh37 (hg19) VCF-style: chr11-124805895-C-G.
Other names: p.Arg3Thr; short protein forms R3T.
Identifiers: ClinVar variation 303340 (VCV000303340.19), dbSNP rs35446349, ClinGen allele CA6345851.

ClinVar aggregate classification (germline): Benign/Likely benign. Review status: criteria provided, multiple submitters, no conflicts (2 of 4 stars). 5 submissions from 5 submitters: Benign (2); Likely benign (3). Last evaluated 2026-01-28.

Conditions:
Megalencephalic leukoencephalopathy with subcortical cysts. Also called: VAN DER KNAAP DISEASE. Identifiers: Orphanet 2478, MedGen C1858854, MONDO:0011391.

Allele frequency attached by ClinVar (database versions not stated): gnomAD exomes 0.00112 and 0.00283; ExAC 0.00395; 1000 Genomes Project 0.01058; gnomAD 0.01149 and 0.01233; 1000 Genomes Project 30x 0.01171; TOPMed 0.01263; ESP Exome Variant Server 0.01331.
gnomAD v4.1: 3,464 of 1,613,958 alleles (0.21%); highest among the groups gnomAD compares: African/African-American, 4.1%; 62 homozygotes.

Submissions (5):

Labcorp Genetics (formerly Invitae), Labcorp
Classification: Benign. Last evaluated: 2026-01-28. Review status: criteria provided, single submitter. Criteria: Invitae Variant Classification Sherloc (09022015). Collection method: clinical testing. Allele origin: germline.

Mayo Clinic Laboratories, Mayo Clinic
Classification: Benign. Last evaluated: 2025-01-06. Review status: criteria provided, single submitter. Criteria: ACMG Guidelines, 2015. Collection method: clinical testing. Allele origin: germline. Observed: 2 variant alleles.
Comment: BS1, BS2, BP4_moderate

GeneDx
Classification: Likely benign. Last evaluated: 2020-11-12. Review status: criteria provided, single submitter. Criteria: GeneDx Variant Classification Process June 2021. Collection method: clinical testing. Allele origin: germline. Affected: yes.

Illumina Laboratory Services, Illumina
Classification: Likely benign for Megalencephalic leukoencephalopathy with subcortical cysts. Last evaluated: 2017-04-27. Review status: criteria provided, single submitter. Criteria: ICSL Variant Classification Criteria 13 December 2019. Collection method: clinical testing. Allele origin: germline.
Comment: This variant was observed as part of a predisposition screen in an ostensibly healthy population. A literature search was performed for the gene, cDNA change, and amino acid change (where applicable). No publications were found based on this search. Allele frequency data from public databases allowed determination this variant is unlikely to cause disease. Therefore, this variant is classified as likely benign.

Breakthrough Genomics
Classification: Likely benign. Review status: criteria provided, single submitter. Criteria: ACMG Guidelines, 2015. Collection method: not provided. Allele origin: germline. Inheritance: Autosomal recessive inheritance. Affected: yes.